The following is an entry in ClinVar:

ClinVar aggregate classification (germline): Uncertain significance. Review status: criteria provided, multiple submitters, no conflicts (2 of 4 stars). 2 submissions from 2 submitters: Uncertain significance (2). Last evaluated 2024-01-17.

Conditions:
Alstrom syndrome (ALMS). Identifiers: Orphanet 64, MedGen C0268425, MONDO:0008763, OMIM 203800.

Allele frequency attached by ClinVar (database versions not stated): gnomAD exomes below 0.00001; TOPMed below 0.00001.

Submissions (2):

GeneDx
Classification: Uncertain significance. Last evaluated: 2024-01-17. Review status: criteria provided, single submitter. Criteria: GeneDx Variant Classification Process June 2021. Collection method: clinical testing. Allele origin: germline. Affected: yes.
Comment: Has not been previously published as pathogenic or benign to our knowledge; Not observed at significant frequency in large population cohorts (gnomAD); In-frame insertion of 1 amino acids in a non-repeat region

Labcorp Genetics (formerly Invitae), Labcorp
Classification: Uncertain significance for Alstrom syndrome. Last evaluated: 2022-04-29. Review status: criteria provided, single submitter. Criteria: Invitae Variant Classification Sherloc (09022015). Collection method: clinical testing. Allele origin: germline.
Comment: This variant, c.1502_1503insGGG, results in the insertion of 1 amino acid(s) of the ALMS1 protein (p.Thr501_Pro502insGly), but otherwise preserves the integrity of the reading frame. This variant is present in population databases (no rsID available, gnomAD 0.007%). This variant has not been reported in the literature in individuals affected with ALMS1-related conditions. Experimental studies and prediction algorithms are not available or were not evaluated, and the functional significance of this variant is currently unknown. In summary, the available evidence is currently insufficient to determine the role of this variant in disease. Therefore, it has been classified as a Variant of Uncertain Significance.

NM_001378454.1(ALMS1):c.1499_1500insGGG (p.Thr500_Pro501insGly)

Gene: ALMS1 (ALMS1 centrosome and basal body associated protein; plus strand). Cytogenetic location: 2p13.1.
Variant type: Insertion.
Coding change: c.1499_1500insGGG on transcript NM_001378454.1 (MANE Select); coding-DNA positions 1499 to 1500, GGG inserted.
Protein change: p.Thr500_Pro501insGly.
Molecular consequence: inframe insertion.
Genome position: GRCh38 VCF-style: chr2-73448026-C-CGGG. GRCh37 (hg19) VCF-style: chr2-73675156-C-CGGG.
Other names: c.1502_1503insGGG, p.Thr501_Pro502insGly (NM_015120.4).
Identifiers: ClinVar variation 1925474 (VCV001925474.3), dbSNP rs1180308461, ClinGen allele CA534125662.